The following is an entry in ClinVar:

ClinVar aggregate classification (germline): Conflicting classifications of pathogenicity. Review status: criteria provided, conflicting classifications (1 of 4 stars). 6 submissions from 6 submitters: Uncertain significance (5); Likely benign (1). Last evaluated 2026-02-03.

Conditions:
Cardiovascular phenotype. Identifiers: MedGen CN230736.
Hypercholesterolemia, autosomal dominant, type B (FHCL2). Also called: Hyperlipoproteinemia Type IIb; Familial Hypercholesterolemia Type B; APOLIPOPROTEIN B-100, FAMILIAL DEFECTIVE; APOLIPOPROTEIN B-100, FAMILIAL LIGAND-DEFECTIVE; Familial hypercholesterolemia 2; APOB-Related Familial Hypercholesterolemia, Autosomal Dominant. Identifiers: MedGen C1704417, MONDO:0007751, OMIM 144010.
Familial hypobetalipoproteinemia 1. Also called: Hypobetalipoproteinemia, normotriglyceridemic; Acanthocytosis with hypobetalipoproteinemia; APOB-Related Familial Hypobetalipoproteinemia. Identifiers: MedGen C4551990, MONDO:0014252, OMIM 615558.

Allele frequency attached by ClinVar (database versions not stated): ExAC 0.00007; gnomAD exomes 0.00009 and 0.00012; gnomAD 0.00010; TOPMed 0.00012.
gnomAD v4.1: 196 of 1,613,992 alleles (0.012%); highest among the groups gnomAD compares: Non-Finnish European, 0.016%; no homozygotes.

Submissions (6):

Labcorp Genetics (formerly Invitae), Labcorp
Classification: Likely benign for Familial hypobetalipoproteinemia 1; Hypercholesterolemia, autosomal dominant, type B. Last evaluated: 2026-02-03. Review status: criteria provided, single submitter. Criteria: Invitae Variant Classification Sherloc (09022015). Collection method: clinical testing. Allele origin: germline.

GeneDx
Classification: Uncertain significance. Last evaluated: 2025-05-22. Review status: criteria provided, single submitter. Criteria: GeneDx Variant Classification Process June 2021. Collection method: clinical testing. Allele origin: germline. Affected: yes.
Comment: In silico analysis suggests that this missense variant does not alter protein structure/function; Also known as A1686S; This variant is associated with the following publications: (PMID: 34456049)

Molecular Diagnostic Laboratory for Inherited Cardiovascular Disease, Montreal Heart Institute
Classification: Uncertain significance for Cardiovascular phenotype. Last evaluated: 2025-04-09. Review status: criteria provided, single submitter. Criteria: ACMG Guidelines, 2015. Collection method: clinical testing. Allele origin: germline. Affected: yes.
Comment: PM2, PS4_supp, BP4

Quest Diagnostics Nichols Institute San Juan Capistrano
Classification: Uncertain significance. Last evaluated: 2024-11-05. Review status: criteria provided, single submitter. Criteria: Quest Diagnostics criteria. Collection method: clinical testing. Allele origin: unknown.
Comment: The APOB c.5137G>T (p.Ala1713Ser) variant has been reported in the published literature in individuals with familial hypercholesteremia (FH) (PMID: 32770674 (2020)) and suspected of familial hypercholesteremia (PMID: 34456049 (2022)). The frequency of this variant in the general population, 0.00034 (17/50718 chromosomes (Genome Aggregation Database)), is uninformative in the assessment of its pathogenicity. Analysis of this variant using bioinformatics tools for the prediction of the effect of amino acid changes on protein structure and function yielded predictions that this variant is benign. Based on the available information, we are unable to determine the clinical significance of this variant.

Ambry Genetics
Classification: Uncertain significance for Cardiovascular phenotype. Last evaluated: 2023-12-14. Review status: criteria provided, single submitter. Criteria: Ambry Variant Classification Scheme 2023. Collection method: clinical testing. Allele origin: germline.
Comment: The p.A1713S variant (also known as c.5137G>T), located in coding exon 26 of the APOB gene, results from a G to T substitution at nucleotide position 5137. The alanine at codon 1713 is replaced by serine, an amino acid with similar properties. This alteration has been reported in association with familial hypercholesterolemia (FH)(Marco-Bened&iacute; V et al. Atherosclerosis, 2022 May;349:211-218; Rieck L et al. Clin Genet, 2020 Nov;98:457-467). This amino acid position is poorly conserved in available vertebrate species. In addition, this alteration is predicted to be tolerated by in silico analysis. Since supporting evidence is limited at this time, the clinical significance of this alteration remains unclear.

Fulgent Genetics
Classification: Uncertain significance for Hypercholesterolemia, autosomal dominant, type B; Familial hypobetalipoproteinemia 1. Last evaluated: 2021-08-03. Review status: criteria provided, single submitter. Criteria: ACMG Guidelines, 2015. Collection method: clinical testing. Allele origin: unknown.

Literature cited by the submitters: PubMed 34456049 (cited by Quest Diagnostics Nichols Institute San Juan Capistrano and Ambry Genetics); PubMed 32770674 (cited by Quest Diagnostics Nichols Institute San Juan Capistrano and Ambry Genetics).

NM_000384.3(APOB):c.5137G>T (p.Ala1713Ser)

Gene: APOB (apolipoprotein B; minus strand). Cytogenetic location: 2p24.1.
Variant type: single nucleotide variant.
Coding change: c.5137G>T on transcript NM_000384.3 (MANE Select); coding-DNA position 5137, G replaced by T.
Protein change: p.Ala1713Ser; replaces alanine 1713 with serine.
Molecular consequence: missense variant.
Genome position (GRCh38, 1-based): chr2:21,011,731, C>A on the plus strand (G>T on the coding strand, the complement: APOB is on the minus strand). VCF-style: chr2-21011731-C-A. GRCh37 (hg19) VCF-style: chr2-21234603-C-A.
Other names: short protein forms A1713S.
Identifiers: ClinVar variation 567866 (VCV000567866.17), dbSNP rs769789232, ClinGen allele CA061719.